The following continues an entry in ClinVar:

NM_000018.4(ACADVL):c.848T>C (p.Val283Ala)

Gene: ACADVL. ClinVar aggregate classification (germline): Pathogenic. Pathogenic (1).

Submissions 33 to 39 of 39:

Genetic Services Laboratory, University of Chicago
Classification: Pathogenic for VLCAD deficiency. Last evaluated: 2016-03-02. Review status: criteria provided, single submitter. Criteria: ACMG Guidelines, 2015. Collection method: clinical testing. Allele origin: germline. Affected: yes. Not counted in ClinVar's aggregate classification.

Women's Health and Genetics/Laboratory Corporation of America, LabCorp
Classification: Pathogenic for Pearson syndrome. Last evaluated: 2016-01-22. Review status: criteria provided, single submitter. Criteria: LabCorp Variant Classification Summary - May 2015. Collection method: clinical testing. Allele origin: germline. Not counted in ClinVar's aggregate classification.
Comment: Variant summary: The c.848T>C in ACADVL gene is a missense variant that involves a conserved nucleotide and 4/5 in silico tools predict deleterious outcome. The variant is present in the broad control population dataset of ExAC at a low frequency (0.14%), which does not exceed the maximum frequency for a pathogenic variant in ACADVL gene (0.29%), suggesting this variant is not a common polymorphism. The variant has been reported in multiple affected individuals presented with Very-long-chain acyl-coenzyme A dehydrogenase deficiency. It is one of the most common pathogenic alleles that accounts for approximately 20% of all pathogenic alleles among individuals detected by newborn screening. This variant is considered to be a mild mutation with residual enzymatic activity ranging between 10%-22%. The variant of interest has been reported as Pathogenic by several reputable databases/diagnostic centers. Taking together, the variant was classified as Pathogenic.

Eurofins Ntd Llc (ga)
Classification: Pathogenic. Last evaluated: 2015-10-07. Review status: criteria provided, single submitter. Criteria: EGL Classification Definitions. Collection method: clinical testing. Allele origin: germline. Observed: 32 variant alleles, 27 heterozygotes, 5 homozygotes. Not counted in ClinVar's aggregate classification.

Clinical Genetics Service, Universitary Hospital 12 de Octubre
Classification: Pathogenic for Very long chain acyl-CoA dehydrogenase deficiency. Review status: criteria provided, single submitter. Criteria: ACMG Guidelines, 2015. Collection method: clinical testing. Allele origin: germline. Affected: no. Not counted in ClinVar's aggregate classification.

Molecular Genetics Lab, CHRU Brest
Classification: Pathogenic for Very long chain acyl-CoA dehydrogenase deficiency. Review status: criteria provided, single submitter. Criteria: ACMG Guidelines, 2015. Collection method: clinical testing. Allele origin: inherited. Affected: yes. Not counted in ClinVar's aggregate classification.

Department of Pathology and Laboratory Medicine, Sinai Health System
Classification: Pathogenic. Review status: no assertion criteria provided. Collection method: clinical testing. Allele origin: unknown. Affected: yes. Study: The Canadian Open Genetics Repository (COGR). Not counted in ClinVar's aggregate classification.
Comment: The ACADVL p.V283A variant is a common pathogenic variant associated with very long chain acyl-coA dehydrogenase deficiency (VLCADD); individuals homozygous for the p.V283A are reported to display a milder phenotype (Miller_2015_PMID:26385305; Pena_2016_PMID:27209629; Schiff_2013_PMID:23480858). The variant was identified in dbSNP (ID: rs113994167) and ClinVar (classified as pathogenic by Invitae, GeneDx, Laboratory for Molecular Medicine, Genetic Services Laboratory, University of Chicago and eight other laboratories). The variant was identified in control databases in 346 of 282744 chromosomes (2 homozygous) at a frequency of 0.001224 (Genome Aggregation Database March 6, 2019, v2.1.1). The variant was observed in the following populations: European (non-Finnish) in 289 of 129106 chromosomes (freq: 0.002238), Other in 13 of 7224 chromosomes (freq: 0.0018), European (Finnish) in 29 of 25124 chromosomes (freq: 0.001154), Ashkenazi Jewish in 2 of 10362 chromosomes (freq: 0.000193), Latino in 6 of 35424 chromosomes (freq: 0.000169), South Asian in 4 of 30616 chromosomes (freq: 0.000131) and African in 3 of 24944 chromosomes (freq: 0.00012), but was not observed in the East Asian population. The variant occurs outside of the splicing consensus sequence and three of four in silico or computational prediction software programs (SpliceSiteFinder, MaxEntScan, NNSPLICE, GeneSplicer) do not predict a greater than 10% difference in splicing. The p.Val261 residue is conserved in mammals but not in more distantly related organisms, and computational analyses (PolyPhen-2, SIFT, AlignGVGD, BLOSUM, MutationTaster) suggest that the variant may impact the protein. Functional analyses of the p.V283A variant have demonstrated 20-25% residual activity compared to wildtype (Andresen_1999_PMID:9973285; Goetzman_2007_PMID:17374501). In summary, based on the above information this variant meets our laboratoryâ€šÃ„Ã´s criteria to be classified as pathogenic.

GeneReviews
No classification provided. Condition: Very long chain acyl-CoA dehydrogenase deficiency. Review status: no classification provided. Collection method: literature only. Allele origin: germline. Not counted in ClinVar's aggregate classification.
Comment: The most common pathogenic variant; accounts for about 10%-29% of all pathogenic alleles

Literature cited by the submitters: PubMed 9973285 (cited by 10 submitters); PubMed 14517516 (cited by 6 submitters); PubMed 20107901 (cited by 8 submitters); PubMed 17999356 (cited by 4 submitters); PubMed 26385305 (cited by 7 submitters); PubMed 17374501 (cited by 8 submitters); PubMed 35281659 (cited by Natera, Inc. and Clinical Genomics Laboratory, Stanford Medicine); PubMed 31031081 (cited by Victorian Clinical Genetics Services, Murdoch Childrens Research Institute and Genetics and Molecular Pathology, SA Pathology); PubMed 27209629 (cited by 4 submitters); PubMed 35218577 (cited by Clinical Genomics Laboratory, Stanford Medicine); PubMed 27246109 (cited by Ambry Genetics); PubMed 21932095 (cited by 4 submitters); PubMed 8845838 (cited by 5 submitters); PubMed 24503138 (cited by Illumina Laboratory Services, Illumina); PubMed 20301763 (cited by Illumina Laboratory Services, Illumina and GeneReviews); PubMed 19208414 (cited by Illumina Laboratory Services, Illumina); PubMed 21429517 (cited by Illumina Laboratory Services, Illumina); PubMed 23480858 (cited by Illumina Laboratory Services, Illumina); PubMed 26937394 (cited by Laboratory for Molecular Medicine, Mass General Brigham Personalized Medicine); NCBI Bookshelf NBK6816 (cited by GeneReviews).